The following is an entry in ClinVar:

ClinVar aggregate classification (germline): Likely pathogenic (1 of 4 stars; one submission).

Submission:

ARUP Laboratories, Molecular Genetics and Genomics, ARUP Laboratories
Classification: Likely pathogenic. Last evaluated: 2018-05-18. Review status: criteria provided, single submitter. Criteria: ARUP Molecular Germline Variant Investigation Process. Collection method: clinical testing. Allele origin: germline.
Comment: The COL1A1 c.1724G>A; p.Gly575Asp variant, to our knowledge, has not been described in the medical literature or in gene-specific databases. It is also absent from general population databases (1000 Genomes Project, Exome Variant Server, and Genome Aggregation Database), indicating it is not a common polymorphism. This variant disrupts the repeating Gly-X-Y sequence motif of the collagen triple helix and is predicted to impair collagen function (Ben Amor 2011). Additionally, several other surrounding glycine substitutions in this exon have been reported in individuals affected with osteogenesis imperfect types II and IV and are considered pathogenic (Marini 2007). Based on available information, the p.Gly575Asp variant is considered likely pathogenic. Pathogenic germline COL1A1 variants are inherited in an autosomal dominant manner, and are associated with osteogenesis imperfecta type I (MIM: 166200), osteogenesis imperfecta type II (MIM: 166210), osteogenesis imperfecta type III (MIM: 259420) and osteogenesis imperfecta type IV (MIM: 166220). References: Ben Amor I et al. Genotype-phenotype correlations in autosomal dominant osteogenesis imperfecta. J Osteoporos. 2011; 2011:540178. Marini J et al. Consortium for osteogenesis imperfecta mutations in the helical domain of type I collagen: regions rich in lethal mutations align with collagen binding sites for integrins and proteoglycans. Hum Mutat. 2007 Mar;28(3):209-21.

NM_000088.4(COL1A1):c.1724G>A (p.Gly575Asp)

Gene: COL1A1 (collagen type I alpha 1 chain; minus strand). Cytogenetic location: 17q21.33.
Variant type: single nucleotide variant.
Coding change: c.1724G>A on transcript NM_000088.4 (MANE Select); coding-DNA position 1724, G replaced by A.
Protein change: p.Gly575Asp; replaces glycine 575 with aspartic acid.
Molecular consequence: missense variant.
Genome position (GRCh38, 1-based): chr17:50,193,986, C>T on the plus strand (G>A on the coding strand, the complement: COL1A1 is on the minus strand). VCF-style: chr17-50193986-C-T. GRCh37 (hg19) VCF-style: chr17-48271347-C-T.
Other names: short protein forms G575D.
Identifiers: ClinVar variation 618574 (VCV000618574.8), dbSNP rs1567759163, ClinGen allele CA400215335.